The following is an entry in ClinVar:

ClinVar aggregate classification (germline): Uncertain significance (1 of 4 stars; one submission).

Submission:

Labcorp Genetics (formerly Invitae), Labcorp
Classification: Uncertain significance. Last evaluated: 2023-07-07. Review status: criteria provided, single submitter. Criteria: Invitae Variant Classification Sherloc (09022015). Collection method: clinical testing. Allele origin: germline.
Comment: In summary, the available evidence is currently insufficient to determine the role of this variant in disease. Therefore, it has been classified as a Variant of Uncertain Significance. Experimental studies and prediction algorithms are not available or were not evaluated, and the functional significance of this variant is currently unknown. ClinVar contains an entry for this variant (Variation ID: 2002962). This variant has not been reported in the literature in individuals affected with ATF6-related conditions. This variant is not present in population databases (gnomAD no frequency). This variant, c.939_941del, results in the deletion of 1 amino acid(s) of the ATF6 protein (p.Met313del), but otherwise preserves the integrity of the reading frame.

NM_007348.4(ATF6):c.939_941del (p.Met313del)

Gene: ATF6 (activating transcription factor 6; plus strand). Cytogenetic location: 1q23.3.
Variant type: Deletion.
Coding change: c.939_941del on transcript NM_007348.4 (MANE Select); coding-DNA positions 939 to 941, 3 bases deleted (GAT; older notation c.939_941delGAT).
Protein change: p.Met313del; deletes methionine 313.
Molecular consequence: inframe deletion. On other transcripts: inframe indel (1).
Genome position (GRCh38, 1-based): chr1:161,819,662-161,819,664, GAT deleted; deleting any 3 consecutive bases within chr1:161,819,660-161,819,664 gives the same sequence; the c. name uses the placement nearest the transcript's 3' end. VCF-style (leftmost placement, unchanged base first): chr1-161819659-TATG-T. GRCh37 (hg19) VCF-style: chr1-161789449-TATG-T.
Other names: c.939_941delGAT, p.Met313del (NM_001410890.1); short protein forms M313del.
Identifiers: ClinVar variation 2002962 (VCV002002962.4), dbSNP rs2525239194, ClinGen allele CA2580061333.